The following is an entry in ClinVar:

NM_004415.4(DSP):c.7655T>C (p.Leu2552Pro)

Gene: DSP (desmoplakin; plus strand). Cytogenetic location: 6p24.3.
Variant type: single nucleotide variant.
Coding change: c.7655T>C on transcript NM_004415.4 (MANE Select); coding-DNA position 7655, T replaced by C.
Protein change: p.Leu2552Pro; replaces leucine 2552 with proline.
Molecular consequence: missense variant.
Genome position (GRCh38, 1-based): chr6:7,584,917, T>C. VCF-style: chr6-7584917-T-C. GRCh37 (hg19) VCF-style: chr6-7585150-T-C.
Other names: c.5858T>C, p.Leu1953Pro (NM_001008844.3); c.6326T>C, p.Leu2109Pro (NM_001319034.2); short protein forms L1953P, L2109P, L2552P.
Identifiers: ClinVar variation 3386722 (VCV003386722.2).

ClinVar aggregate classification (germline): Uncertain significance. Review status: criteria provided, multiple submitters, no conflicts (2 of 4 stars). 2 submissions from 2 submitters: Uncertain significance (2). Last evaluated 2025-07-02.

Conditions:
Cardiomyopathy (CMYO). Also called: Cardiomyopathies. Identifiers: Orphanet 167848, MedGen C0878544, MONDO:0004994, HP:0001638. Inheritance: Various modes of inheritance.
Arrhythmogenic cardiomyopathy with wooly hair and keratoderma. Also called: Carvajal syndrome; PALMOPLANTAR KERATODERMA WITH LEFT VENTRICULAR CARDIOMYOPATHY AND WOOLLY HAIR; Dilated cardiomyopathy with woolly hair and keratoderma; Arrhythmogenic cardiomyopathy with woolly hair and keratoderma. Identifiers: Orphanet 65282, MedGen C1854063, MONDO:0011581, OMIM 605676.

Submissions (2):

Color Diagnostics, LLC DBA Color Health
Classification: Uncertain significance for Cardiomyopathy. Last evaluated: 2025-07-02. Review status: criteria provided, single submitter. Criteria: ACMG Guidelines, 2015. Collection method: clinical testing. Allele origin: germline.
Comment: This missense variant replaces leucine with proline at codon 2552 of the DSP protein. Computational prediction suggests that this variant may have a deleterious impact on protein structure and function. To our knowledge, functional studies have not been reported for this variant. This variant has been reported in an individual affected with hypertrophic cardiomyopathy (PMID: 35200695). This variant has not been identified in the general population by the Genome Aggregation Database (gnomAD). The available evidence is insufficient to determine the role of this variant in disease conclusively. Therefore, this variant is classified as a Variant of Uncertain Significance.

All of Us Research Program, National Institutes of Health
Classification: Uncertain significance for Arrhythmogenic cardiomyopathy with wooly hair and keratoderma. Last evaluated: 2024-03-05. Review status: criteria provided, single submitter. Criteria: ACMG Guidelines, 2015. Collection method: clinical testing. Allele origin: germline. Inheritance: Autosomal dominant inheritance. Observed: 1 variant allele, 1 heterozygote.
Comment: This study involves interpretation of variants in research participants for the purpose of population health screening. Participant phenotype was not available at the time of variant classification. Additional details can be found in publication PMID: 35346344, PMCID: PMC8962531

Literature cited by the submitters: PubMed 35200695 (cited by Color Diagnostics, LLC DBA Color Health).